The following is an entry in ClinVar:

ClinVar aggregate classification (germline): Uncertain significance (1 of 4 stars; one submission).

Allele frequency attached by ClinVar (database versions not stated): gnomAD 0.00001; TOPMed 0.00001; gnomAD exomes below 0.00001.
gnomAD v4.1: 3 of 1,613,998 alleles (0.00019%); highest among the groups gnomAD compares: African/African-American, 0.0027%; no homozygotes.

Submission:

Ambry Genetics
Classification: Uncertain significance. Last evaluated: 2025-07-25. Review status: criteria provided, single submitter. Criteria: Ambry Variant Classification Scheme 2023. Collection method: clinical testing. Allele origin: germline.
Comment: The p.V650F variant (also known as c.1948G>T), located in coding exon 1 of the MLH3 gene, results from a G to T substitution at nucleotide position 1948. The valine at codon 650 is replaced by phenylalanine, an amino acid with highly similar properties. This amino acid position is not well conserved in available vertebrate species. In addition, this alteration is predicted to be tolerated by in silico analysis. Since supporting evidence is limited at this time, the clinical significance of this alteration remains unclear.

NM_001040108.2(MLH3):c.1948G>T (p.Val650Phe)

Gene: MLH3 (mutL homolog 3; minus strand). Cytogenetic location: 14q24.3.
Variant type: single nucleotide variant.
Coding change: c.1948G>T on transcript NM_001040108.2 (MANE Select); coding-DNA position 1948, G replaced by T.
Protein change: p.Val650Phe; replaces valine 650 with phenylalanine.
Molecular consequence: missense variant.
Genome position (GRCh38, 1-based): chr14:75,047,708, C>A on the plus strand (G>T on the coding strand, the complement: MLH3 is on the minus strand). VCF-style: chr14-75047708-C-A. GRCh37 (hg19) VCF-style: chr14-75514411-C-A.
Other names: c.1948G>T, p.Val650Phe (NM_014381.3); short protein forms V650F.
Identifiers: ClinVar variation 1783162 (VCV001783162.4), dbSNP rs1354529660, ClinGen allele CA390443657.